The following is an entry in ClinVar:

NM_032444.4(SLX4):c.2629G>A (p.Ala877Thr)

Gene: SLX4 (SLX4 structure-specific endonuclease subunit; minus strand). Cytogenetic location: 16p13.3.
Variant type: single nucleotide variant.
Coding change: c.2629G>A on transcript NM_032444.4 (MANE Select); coding-DNA position 2629, G replaced by A.
Protein change: p.Ala877Thr; replaces alanine 877 with threonine.
Molecular consequence: missense variant.
Genome position (GRCh38, 1-based): chr16:3,591,009, C>T on the plus strand (G>A on the coding strand, the complement: SLX4 is on the minus strand). VCF-style: chr16-3591009-C-T. GRCh37 (hg19) VCF-style: chr16-3641010-C-T.
Other names: c.2629G>A (LRG_503t1); short protein forms A877T.
Identifiers: ClinVar variation 526368 (VCV000526368.7), dbSNP rs761296000, ClinGen allele CA7866112.

ClinVar aggregate classification (germline): Uncertain significance (1 of 4 stars; one submission).

Conditions:
Fanconi anemia (FA). Also called: Fanconi's anemia. Identifiers: Orphanet 84, MedGen C0015625, MeSH D005199, MONDO:0019391.

Allele frequency attached by ClinVar (database versions not stated): TOPMed below 0.00001; ExAC 0.00001; gnomAD 0.00001; gnomAD exomes 0.00001 and 0.00002.
gnomAD v4.1: 13 of 1,614,062 alleles (0.00081%); highest among the groups gnomAD compares: South Asian, 0.0066%; no homozygotes.

Submission:

Labcorp Genetics (formerly Invitae), Labcorp
Classification: Uncertain significance for Fanconi anemia. Last evaluated: 2025-02-13. Review status: criteria provided, single submitter. Criteria: Invitae Variant Classification Sherloc (09022015). Collection method: clinical testing. Allele origin: germline.
Comment: This sequence change replaces alanine, which is neutral and non-polar, with threonine, which is neutral and polar, at codon 877 of the SLX4 protein (p.Ala877Thr). This variant is present in population databases (rs761296000, gnomAD 0.01%). This missense change has been observed in individual(s) with Fanconi anemia (PMID: 24037726). ClinVar contains an entry for this variant (Variation ID: 526368). An algorithm developed to predict the effect of missense changes on protein structure and function outputs the following: PolyPhen-2: "Benign". The threonine amino acid residue is found in multiple mammalian species, which suggests that this missense change does not adversely affect protein function. In summary, the available evidence is currently insufficient to determine the role of this variant in disease. Therefore, it has been classified as a Variant of Uncertain Significance.

Literature cited by the submitters: PubMed 24037726.